The following is an entry in ClinVar:

NM_004260.4(RECQL4):c.2093A>G (p.Gln698Arg)

Gene: RECQL4 (RecQ like helicase 4; minus strand). Cytogenetic location: 8q24.3.
Variant type: single nucleotide variant.
Coding change: c.2093A>G on transcript NM_004260.4 (MANE Select); coding-DNA position 2093, A replaced by G.
Protein change: p.Gln698Arg; replaces glutamine 698 with arginine.
Molecular consequence: missense variant.
Genome position (GRCh38, 1-based): chr8:144,513,678, T>C on the plus strand (A>G on the coding strand, the complement: RECQL4 is on the minus strand). VCF-style: chr8-144513678-T-C. GRCh37 (hg19) VCF-style: chr8-145739062-T-C.
Other names: short protein forms Q698R.
Identifiers: ClinVar variation 847833 (VCV000847833.6), dbSNP rs1827683274, ClinGen allele CA372679979.

ClinVar aggregate classification (germline): Conflicting classifications of pathogenicity. Review status: criteria provided, conflicting classifications (1 of 4 stars). 2 submissions from 2 submitters: Uncertain significance (1); Likely benign (1). Last evaluated 2025-03-28.

Conditions:
Inborn genetic diseases. Identifiers: MedGen C0950123, MeSH D030342.
Baller-Gerold syndrome (BGS). Also called: CRANIOSYNOSTOSIS WITH RADIAL DEFECTS. Identifiers: Orphanet 1225, MedGen C0265308, MONDO:0009039, OMIM 218600.

Submissions (2):

Ambry Genetics
Classification: Likely benign for Inborn genetic diseases. Last evaluated: 2025-03-28. Review status: criteria provided, single submitter. Criteria: Ambry Variant Classification Scheme 2023. Collection method: clinical testing. Allele origin: germline.

Labcorp Genetics (formerly Invitae), Labcorp
Classification: Uncertain significance for Baller-Gerold syndrome. Last evaluated: 2019-01-25. Review status: criteria provided, single submitter. Criteria: Invitae Variant Classification Sherloc (09022015). Collection method: clinical testing. Allele origin: germline.
Comment: In summary, the available evidence is currently insufficient to determine the role of this variant in disease. Therefore, it has been classified as a Variant of Uncertain Significance. Algorithms developed to predict the effect of missense changes on protein structure and function are either unavailable or do not agree on the potential impact of this missense change (SIFT: "Tolerated"; PolyPhen-2: "Not available"; Align-GVGD: "Class C0"). This variant has not been reported in the literature in individuals with RECQL4-related conditions. This variant is not present in population databases (ExAC no frequency). This sequence change replaces glutamine with arginine at codon 698 of the RECQL4 protein (p.Gln698Arg). The glutamine residue is weakly conserved and there is a small physicochemical difference between glutamine and arginine.